The following is an entry in ClinVar:

NM_000093.5(COL5A1):c.3403G>A (p.Gly1135Ser)

Gene: COL5A1 (collagen type V alpha 1 chain; plus strand). Cytogenetic location: 9q34.3.
Variant type: single nucleotide variant.
Coding change: c.3403G>A on transcript NM_000093.5 (MANE Select); coding-DNA position 3403, G replaced by A.
Protein change: p.Gly1135Ser; replaces glycine 1135 with serine.
Molecular consequence: missense variant.
Genome position (GRCh38, 1-based): chr9:134,809,219, G>A. VCF-style: chr9-134809219-G-A. GRCh37 (hg19) VCF-style: chr9-137701065-G-A.
Other names: c.3403G>A, p.Gly1135Ser (NM_001278074.1); short protein forms G1135S.
Identifiers: ClinVar variation 449128 (VCV000449128.14), dbSNP rs775559638, ClinGen allele CA5319851.
Genomic context (GRCh38, chr9:134,809,219, plus strand): 5'-CCTGAGATCTTCTGTATTCTCTAGGGCGAGAAAGGCCCACAAGGCCCAGCTGGCCGAGAC[G>A]GTCTCCAGGGGCCTGTGGGGCTCCCGGGTCCAGCTGGCCCTGTGGGTCCCCCTGGAGAAG-3'
Protein context (NP_000084.3, residues 1125-1145): KGPQGPAGRD[Gly1135Ser]LQGPVGLPGP

ClinVar aggregate classification (germline): Uncertain significance. Review status: criteria provided, multiple submitters, no conflicts (2 of 4 stars). 2 submissions from 2 submitters: Uncertain significance (2). Last evaluated 2026-01-21.

Conditions:
Ehlers-Danlos syndrome, classic type, 1 (EDSCL1). Also called: EHLERS-DANLOS SYNDROME, GRAVIS TYPE; EHLERS-DANLOS SYNDROME, SEVERE CLASSIC TYPE; EDS I; Ehlers-Danlos Syndrome, Classic Type, COL5A1-Related; Ehlers-Danlos syndrome, type 1. Identifiers: MedGen C0268335, MONDO:0019567, OMIM 130000.

Allele frequency attached by ClinVar (database versions not stated): ExAC 0.00002.
gnomAD v4.1: 8 of 1,602,334 alleles (0.0005%); highest among the groups gnomAD compares: South Asian, 0.0023%; no homozygotes.

Submissions (2):

Labcorp Genetics (formerly Invitae), Labcorp
Classification: Uncertain significance for Ehlers-Danlos syndrome, classic type, 1. Last evaluated: 2026-01-21. Review status: criteria provided, single submitter. Criteria: Invitae Variant Classification Sherloc (09022015). Collection method: clinical testing. Allele origin: germline.
Comment: This sequence change replaces glycine, which is neutral and non-polar, with serine, which is neutral and polar, at codon 1135 of the COL5A1 protein (p.Gly1135Ser). This variant is present in population databases (rs775559638, gnomAD 0.004%). This variant has not been reported in the literature in individuals affected with COL5A1-related conditions. ClinVar contains an entry for this variant (Variation ID: 449128). Invitae Evidence Modeling of protein sequence and biophysical properties (such as structural, functional, and spatial information, amino acid conservation, physicochemical variation, residue mobility, and thermodynamic stability) indicates that this missense variant is expected to disrupt COL5A1 protein function with a positive predictive value of 95%. This variant disrupts the triple helix domain of COL5A1. Glycine residues within the Gly-Xaa-Yaa repeats of the triple helix domain are required for the structure and stability of fibrillar collagens (PMID: 7695699, 8218237, 19344236), and variants at these glycine residues in COL5A1 are more frequently observed in individuals with disease than in the general population (PMID: 22696272, 23587214). However, the clinical significance of this observation remains uncertain since only a limited number of affected individuals have been described to date. In summary, the available evidence is currently insufficient to determine the role of this variant in disease. Therefore, it has been classified as a Variant of Uncertain Significance.

GeneDx
Classification: Uncertain significance. Last evaluated: 2019-09-11. Review status: criteria provided, single submitter. Criteria: GeneDx Variant Classification Process June 2021. Collection method: clinical testing. Allele origin: germline. Affected: yes.
Comment: Not observed at a significant frequency in large population cohorts (Lek et al., 2016); In silico analysis, which includes protein predictors and evolutionary conservation, supports a deleterious effect; Has not been previously published as pathogenic or benign to our knowledge

Literature cited by the submitters: PubMed 7695699 (cited by Labcorp Genetics (formerly Invitae), Labcorp); PubMed 8218237 (cited by Labcorp Genetics (formerly Invitae), Labcorp); PubMed 19344236 (cited by Labcorp Genetics (formerly Invitae), Labcorp); PubMed 22696272 (cited by Labcorp Genetics (formerly Invitae), Labcorp); PubMed 23587214 (cited by Labcorp Genetics (formerly Invitae), Labcorp).